The following is an entry in ClinVar:

NM_017534.6(MYH2):c.602T>C (p.Val201Ala)

Genes: MYH2 (myosin heavy chain 2; minus strand), MYHAS (myosin heavy chain gene cluster antisense RNA; plus strand), LOC126862501 (CDK7 strongly-dependent group 2 enhancer GRCh37_chr17:10446256-10447455; plus strand). Cytogenetic location: 17p13.1.
Variant type: single nucleotide variant.
Coding change: c.602T>C on transcript NM_017534.6 (MANE Select); coding-DNA position 602, T replaced by C.
Protein change: p.Val201Ala; replaces valine 201 with alanine.
Molecular consequence: missense variant.
Genome position (GRCh38, 1-based): chr17:10,543,948, A>G on the plus strand (T>C on the coding strand, the complement: MYH2 is on the minus strand). VCF-style: chr17-10543948-A-G. GRCh37 (hg19) VCF-style: chr17-10447265-A-G.
Other names: c.602T>C, p.Val201Ala (NM_001100112.2); short protein forms V201A.
Identifiers: ClinVar variation 1941896 (VCV001941896.5), dbSNP rs2508469866, ClinGen allele CA398169493.

ClinVar aggregate classification (germline): Uncertain significance (1 of 4 stars; one submission).

Conditions:
Myopathy, proximal, and ophthalmoplegia (CMYO6). Also called: MYOPATHY WITH CONGENITAL JOINT CONTRACTURES, OPHTHALMOPLEGIA, AND RIMMED VACUOLES; CONGENITAL MYOPATHY 6 WITH OPHTHALMOPLEGIA; INCLUSION BODY MYOPATHY 3, AUTOSOMAL DOMINANT. Identifiers: Orphanet 363677, Orphanet 79091, MedGen C1854106, MONDO:0011577, OMIM 605637.

Submission:

Labcorp Genetics (formerly Invitae), Labcorp
Classification: Uncertain significance for Myopathy, proximal, and ophthalmoplegia. Last evaluated: 2022-08-09. Review status: criteria provided, single submitter. Criteria: Invitae Variant Classification Sherloc (09022015). Collection method: clinical testing. Allele origin: germline.
Comment: In summary, the available evidence is currently insufficient to determine the role of this variant in disease. Therefore, it has been classified as a Variant of Uncertain Significance. Algorithms developed to predict the effect of missense changes on protein structure and function (SIFT, PolyPhen-2, Align-GVGD) all suggest that this variant is likely to be tolerated. This variant has not been reported in the literature in individuals affected with MYH2-related conditions. This variant is not present in population databases (gnomAD no frequency). This sequence change replaces valine, which is neutral and non-polar, with alanine, which is neutral and non-polar, at codon 201 of the MYH2 protein (p.Val201Ala).